The following is an entry in ClinVar:

NM_006506.5(RASA2):c.11C>T (p.Ala4Val)

Genes: RASA2 (RAS p21 protein activator 2; plus strand), LOC129937686 (ATAC-STARR-seq lymphoblastoid silent region 14777; plus strand). Cytogenetic location: 3q23.
Variant type: single nucleotide variant.
Coding change: c.11C>T on transcript NM_006506.5 (MANE Select); coding-DNA position 11, C replaced by T.
Protein change: p.Ala4Val; replaces alanine 4 with valine.
Molecular consequence: missense variant.
Genome position (GRCh38, 1-based): chr3:141,487,094, C>T. VCF-style: chr3-141487094-C-T. GRCh37 (hg19) VCF-style: chr3-141205936-C-T.
Other names: c.11C>T, p.Ala4Val (NM_001303245.3, NM_001303246.3); short protein forms A4V.
Identifiers: ClinVar variation 1747076 (VCV001747076.6), dbSNP rs1448250137, ClinGen allele CA354773433.

ClinVar aggregate classification (germline): Uncertain significance. Review status: criteria provided, multiple submitters, no conflicts (2 of 4 stars). 2 submissions from 2 submitters: Uncertain significance (2). Last evaluated 2025-12-17.

Allele frequency attached by ClinVar (database versions not stated): gnomAD 0.00004; TOPMed 0.00006; gnomAD exomes 0.00001.
gnomAD v4.1: 21 of 1,374,532 alleles (0.0015%); highest among the groups gnomAD compares: African/African-American, 0.017%; no homozygotes.

Submissions (2):

Labcorp Genetics (formerly Invitae), Labcorp
Classification: Uncertain significance. Last evaluated: 2025-12-17. Review status: criteria provided, single submitter. Criteria: Invitae Variant Classification Sherloc (09022015). Collection method: clinical testing. Allele origin: germline.
Comment: This sequence change replaces alanine, which is neutral and non-polar, with valine, which is neutral and non-polar, at codon 4 of the RASA2 protein (p.Ala4Val). This variant is present in population databases (no rsID available, gnomAD 0.06%). This variant has not been reported in the literature in individuals affected with RASA2-related conditions. ClinVar contains an entry for this variant (Variation ID: 1747076). Experimental studies and prediction algorithms are not available or were not evaluated, and the functional significance of this variant is currently unknown. In summary, the available evidence is currently insufficient to determine the role of this variant in disease. Therefore, it has been classified as a Variant of Uncertain Significance.

Ambry Genetics
Classification: Uncertain significance. Last evaluated: 2025-03-02. Review status: criteria provided, single submitter. Criteria: Ambry Variant Classification Scheme 2023. Collection method: clinical testing. Allele origin: germline.
Comment: The p.A4V variant (also known as c.11C>T), located in coding exon 1 of the RASA2 gene, results from a C to T substitution at nucleotide position 11. The alanine at codon 4 is replaced by valine, an amino acid with similar properties. This amino acid position is conserved. In addition, this alteration is predicted to be tolerated by in silico analysis. Since supporting evidence is limited at this time, the clinical significance of this alteration remains unclear.